The following is an entry in ClinVar:

ClinVar aggregate classification (germline): Uncertain significance. Review status: criteria provided, multiple submitters, no conflicts (2 of 4 stars). 2 submissions from 2 submitters: Uncertain significance (2). Last evaluated 2025-07-15.

Conditions:
Inborn genetic diseases. Identifiers: MedGen C0950123, MeSH D030342.

Allele frequency attached by ClinVar (database versions not stated): gnomAD exomes 0.00001; TOPMed 0.00001.
gnomAD v4.1: 4 of 1,612,848 alleles (0.00025%); highest among the groups gnomAD compares: Admixed American, 0.0067%; no homozygotes.

Submissions (2):

Ambry Genetics
Classification: Uncertain significance for Inborn genetic diseases. Last evaluated: 2025-07-15. Review status: criteria provided, single submitter. Criteria: Ambry Variant Classification Scheme 2023. Collection method: clinical testing. Allele origin: germline.

Labcorp Genetics (formerly Invitae), Labcorp
Classification: Uncertain significance. Last evaluated: 2023-09-11. Review status: criteria provided, single submitter. Criteria: Invitae Variant Classification Sherloc (09022015). Collection method: clinical testing. Allele origin: germline.
Comment: In summary, the available evidence is currently insufficient to determine the role of this variant in disease. Therefore, it has been classified as a Variant of Uncertain Significance. This variant is present in population databases (no rsID available, gnomAD 0.01%). This variant has not been reported in the literature in individuals affected with KATNB1-related conditions. Advanced modeling of protein sequence and biophysical properties (such as structural, functional, and spatial information, amino acid conservation, physicochemical variation, residue mobility, and thermodynamic stability) performed at Invitae indicates that this missense variant is not expected to disrupt KATNB1 protein function. This sequence change replaces valine, which is neutral and non-polar, with isoleucine, which is neutral and non-polar, at codon 435 of the KATNB1 protein (p.Val435Ile).

NM_005886.3(KATNB1):c.1303G>A (p.Val435Ile)

Gene: KATNB1 (katanin regulatory subunit B1; plus strand). Cytogenetic location: 16q21.
Variant type: single nucleotide variant.
Coding change: c.1303G>A on transcript NM_005886.3 (MANE Select); coding-DNA position 1303, G replaced by A.
Protein change: p.Val435Ile; replaces valine 435 with isoleucine.
Molecular consequence: missense variant.
Genome position (GRCh38, 1-based): chr16:57,755,125, G>A. VCF-style: chr16-57755125-G-A. GRCh37 (hg19) VCF-style: chr16-57789037-G-A.
Other names: c.1303G>A (NM_005886.2); short protein forms V435I.
Identifiers: ClinVar variation 2914506 (VCV002914506.2), dbSNP rs978962893, ClinGen allele CA281610777.
Genomic context (GRCh38, chr16:57,755,125, plus strand): 5'-GGGAGGCAGAGAGGGAGGCCCCAGGCCGGCAACCGCTGAGTTTCACACTTTCAGCTGGAG[G>A]TCCTGCCCCGGCCCCCAGTGGTTGCTTCCACACCTGCACCCAAGGCTGAGCCTGCCATCA-3'
Protein context (NP_005877.2, residues 425-445): DVQFPVPNLE[Val435Ile]LPRPPVVAST